The following is an entry in ClinVar:

GRCh38/hg38 Xq11.1-13.1(chrX:62712219-71136309)x2

Genes: AMER1 (APC membrane recruitment protein 1; minus strand), AR (androgen receptor; plus strand), ARHGEF9 (Cdc42 guanine nucleotide exchange factor 9; minus strand), ARHGEF9-IT1 (ARHGEF9 intronic transcript 1; minus strand), ARR3 (arrestin 3; plus strand) and 117 more. Cytogenetic location: Xq11.1-13.1.
Variant type: copy number gain.
Change: copy number 2 of chrX:62,712,219-71,136,309 (8.42 Mb, GRCh38 coordinates, 1-based), cytogenetic band Xq11.1-13.1.
Identifiers: ClinVar variation 58639 (VCV000058639.1).

ClinVar aggregate classification (germline): Pathogenic (1 of 4 stars; one submission).

Submission:

ISCA site 15
Classification: Pathogenic. Last evaluated: 2011-08-12. Review status: criteria provided, single submitter. Criteria: Kaminsky et al. (Genet Med. 2011). Collection method: clinical testing. Allele origin: maternal. Affected: yes. Observed: 1 variant allele.
Comment: Copy number variation identified through the course of routine clinical cytogenomic testing in postnatal populations. Clinical assertions have been curated as described in Kaminsky et al. 2011.